The following is an entry in ClinVar:

ClinVar aggregate classification (germline): Likely benign (0 of 4 stars; one submission).

Conditions:
SSR4-related disorder. Also called: SSR4-related condition.

Allele frequency attached by ClinVar (database versions not stated): gnomAD 0.00004; ExAC 0.00001; TOPMed 0.00002.

Submission:

PreventionGenetics, part of Exact Sciences
Classification: Likely benign for SSR4-related condition. Last evaluated: 2019-08-28. Review status: no assertion criteria provided. Collection method: clinical testing. Allele origin: germline.
Comment: This variant is classified as likely benign based on ACMG/AMP sequence variant interpretation guidelines (Richards et al. 2015 PMID: 25741868, with internal and published modifications).

NM_006280.3(SSR4):c.39C>G (p.Leu13=)

Gene: SSR4 (signal sequence receptor subunit 4; plus strand). Cytogenetic location: Xq28.
Variant type: single nucleotide variant.
Coding change: c.39C>G on transcript NM_006280.3 (MANE Select); coding-DNA position 39, C replaced by G.
Protein change: p.Leu13=; no amino-acid change (leucine 13 retained).
Molecular consequence: synonymous variant.
Genome position (GRCh38, 1-based): chrX:153,794,726, C>G. VCF-style: chrX-153794726-C-G. GRCh37 (hg19) VCF-style: chrX-153060181-C-G.
Other names: c.72C>G, p.Leu24= (NM_001204526.2); c.63C>G, p.Leu21= (NM_001204527.2).
Identifiers: ClinVar variation 3052644 (VCV003052644.2), dbSNP rs11538940, ClinGen allele CA10553212.
Genomic context (GRCh38, chrX:153,794,726, plus strand): 5'-TCCTCTAGGCAGAGAAGAGGCGATGGCGGCGATGGCATCTCTCGGCGCCCTGGCGCTGCT[C>G]CTGCTGTCCAGCCTCTCCCGCTGCTCAGGTAGCGGCCCAGCCGGGGCTTCTTTCTTGCGA-3'
Protein context (NP_006271.1, residues 3-23): AMASLGALAL[Leu13=]LLSSLSRCSA